The following is an entry in ClinVar:

NM_000051.4(ATM):c.7789-17T>C

Genes: ATM (ATM serine/threonine kinase; plus strand), C11orf65 (chromosome 11 open reading frame 65; minus strand). Cytogenetic location: 11q22.3.
Variant type: single nucleotide variant.
Coding change: c.7789-17T>C on transcript NM_000051.4 (MANE Select); 17 bases into the intron before coding-DNA position 7789, T replaced by C.
Molecular consequence: intron variant.
Genome position (GRCh38, 1-based): chr11:108,332,745, T>C. VCF-style: chr11-108332745-T-C. GRCh37 (hg19) VCF-style: chr11-108203472-T-C.
Other names: c.7789-17T>C (NM_001351834.2); c.641-23674A>G (NM_001330368.2); c.*38+2475A>G (NM_001351110.2).
Identifiers: ClinVar variation 3254073 (VCV003254073.3), dbSNP rs2136558822.
Genomic context (GRCh38, chr11:108,332,745, plus strand): 5'-CTCTTTGTTTTTCTAACTCTGAGAAGTTTAAATGTTGGGTAGTTCCTTATGTAATGTTTT[T>C]TGTTTTTTATTAATAGGATCGAACAGAGGCTGCAAATAGAATAATATGTACTATCAGAAG-3'

ClinVar aggregate classification (germline): Likely benign. Review status: criteria provided, multiple submitters, no conflicts (2 of 4 stars). 2 submissions from 2 submitters: Likely benign (2). Last evaluated 2024-12-04.

Conditions:
Familial cancer of breast. Also called: hereditary breast carcinoma; BREAST CANCER, FAMILIAL; Hereditary breast cancer. Identifiers: Orphanet 227535, MedGen C0346153, MONDO:0016419, OMIM 114480. Disease mechanism: loss of function.
Ataxia-telangiectasia syndrome (AT). Also called: AT, COMPLEMENTATION GROUP C; Ataxia-telangiectasia, complementation group D; ATAXIA-TELANGIECTASIA, COMPLEMENTATION GROUP A; ATAXIA-TELANGIECTASIA, FRESNO VARIANT; Ataxia-telangiectasia; Ataxia-telangiectasia, complementation group E. Identifiers: Orphanet 100, MedGen C0004135, MONDO:0008840, OMIM 208900.

Submissions (2):

Labcorp Genetics (formerly Invitae), Labcorp
Classification: Likely benign for Ataxia-telangiectasia syndrome. Last evaluated: 2024-12-04. Review status: criteria provided, single submitter. Criteria: Invitae Variant Classification Sherloc (09022015). Collection method: clinical testing. Allele origin: germline.

Myriad Genetics, Inc.
Classification: Likely benign for Familial cancer of breast. Last evaluated: 2024-06-17. Review status: criteria provided, single submitter. Criteria: Myriad Autosomal Dominant, Autosomal Recessive and X-Linked Classification Criteria (2023). Collection method: clinical testing. Allele origin: unknown.
Comment: This variant is considered likely benign. This variant is intronic and is not expected to impact mRNA splicing.